The following is an entry in ClinVar:

ClinVar aggregate classification (germline): Likely benign. Review status: criteria provided, multiple submitters, no conflicts (2 of 4 stars). 2 submissions from 2 submitters: Likely benign (2). Last evaluated 2025-12-13.

Conditions:
Developmental and epileptic encephalopathy, 36 (DEE36). Also called: ALG13-CDG; Epileptic encephalopathy, early infantile, 36; Congenital disorder of glycosylation, type Is. Identifiers: Orphanet 324422, MedGen C4317295, MONDO:0010472, OMIM 300884.

Allele frequency attached by ClinVar (database versions not stated): gnomAD exomes 0.00001; gnomAD 0.00002; TOPMed 0.00002.

Submissions (2):

Labcorp Genetics (formerly Invitae), Labcorp
Classification: Likely benign for Developmental and epileptic encephalopathy, 36. Last evaluated: 2025-12-13. Review status: criteria provided, single submitter. Criteria: Invitae Variant Classification Sherloc (09022015). Collection method: clinical testing. Allele origin: germline.

GeneDx
Classification: Likely benign. Last evaluated: 2017-07-13. Review status: criteria provided, single submitter. Criteria: GeneDx Variant Classification (06012015). Collection method: clinical testing. Allele origin: germline. Affected: yes.
Comment: This variant is considered likely benign or benign based on one or more of the following criteria: it is a conservative change, it occurs at a poorly conserved position in the protein, it is predicted to be benign by multiple in silico algorithms, and/or has population frequency not consistent with disease.

NM_001099922.3(ALG13):c.54G>A (p.Ala18=)

Gene: ALG13 (ALG13 UDP-N-acetylglucosaminyltransferase subunit; plus strand). Cytogenetic location: Xq23.
Variant type: single nucleotide variant.
Coding change: c.54G>A on transcript NM_001099922.3 (MANE Select); coding-DNA position 54, G replaced by A.
Protein change: p.Ala18=; no amino-acid change (alanine 18 retained).
Molecular consequence: synonymous variant. On other transcripts: 5 prime UTR variant (9), non-coding transcript variant (3).
Genome position (GRCh38, 1-based): chrX:111,681,272, G>A. VCF-style: chrX-111681272-G-A. GRCh37 (hg19) VCF-style: chrX-110924500-G-A.
Other names: c.54G>A, p.Ala18= (NM_001039210.5, NM_001168385.3, NM_001324290.2 and 2 more transcripts); c.-155G>A (NM_001257230.2, NM_001324291.2); c.-247G>A (NM_001257231.2, NM_001257241.3); c.-280G>A (NM_001257234.2, NM_001257235.3); c.-384G>A (NM_001257237.2, NM_001257240.3, NM_001324293.1).
Identifiers: ClinVar variation 510803 (VCV000510803.9), dbSNP rs1406539581, ClinGen allele CA518051705.